The following is an entry in ClinVar:

ClinVar aggregate classification (germline): Uncertain significance (1 of 4 stars; one submission).

Allele frequency attached by ClinVar (database versions not stated): gnomAD exomes below 0.00001.
gnomAD v4.1: 2 of 1,613,566 alleles (0.00012%); highest among the groups gnomAD compares: Admixed American, 0.0017%; no homozygotes.

Submission:

Labcorp Genetics (formerly Invitae), Labcorp
Classification: Uncertain significance. Last evaluated: 2021-11-12. Review status: criteria provided, single submitter. Criteria: Invitae Variant Classification Sherloc (09022015). Collection method: clinical testing. Allele origin: germline.
Comment: In summary, the available evidence is currently insufficient to determine the role of this variant in disease. Therefore, it has been classified as a Variant of Uncertain Significance. Algorithms developed to predict the effect of missense changes on protein structure and function are either unavailable or do not agree on the potential impact of this missense change (SIFT: "Deleterious"; PolyPhen-2: "Possibly Damaging"; Align-GVGD: "Class C15"). This variant has not been reported in the literature in individuals affected with ITGAM-related conditions. This variant is present in population databases (no rsID available, gnomAD 0.003%). This sequence change replaces arginine, which is basic and polar, with tryptophan, which is neutral and slightly polar, at codon 1015 of the ITGAM protein (p.Arg1015Trp).

NM_000632.4(ITGAM):c.3043C>T (p.Arg1015Trp)

Gene: ITGAM (integrin subunit alpha M; plus strand). Cytogenetic location: 16p11.2.
Variant type: single nucleotide variant.
Coding change: c.3043C>T on transcript NM_000632.4 (MANE Select); coding-DNA position 3043, C replaced by T.
Protein change: p.Arg1015Trp; replaces arginine 1015 with tryptophan.
Molecular consequence: missense variant.
Genome position (GRCh38, 1-based): chr16:31,330,147, C>T. VCF-style: chr16-31330147-C-T. GRCh37 (hg19) VCF-style: chr16-31341468-C-T.
Other names: c.3046C>T, p.Arg1016Trp (NM_001145808.2); short protein forms R1016W, R1015W.
Identifiers: ClinVar variation 1447053 (VCV001447053.6), dbSNP rs1189664794, ClinGen allele CA395700818.